The following is an entry in ClinVar:

ClinVar aggregate classification (germline): Likely pathogenic (1 of 4 stars; one submission).

Conditions:
Intellectual developmental disorder with seizures and language delay (IDDSELD). Identifiers: MedGen C5436574, MONDO:0033559, OMIM 619000.

Submission:

Genetics Laboratory, UDIAT-Centre Diagnòstic, Hospital Universitari Parc Tauli
Classification: Likely pathogenic for intellectual developmental disorder with seizures and language delay. Last evaluated: 2023-11-17. Review status: criteria provided, single submitter. Criteria: ACMG Guidelines, 2015. Collection method: clinical testing. Allele origin: unknown. Inheritance: Autosomal dominant inheritance. Affected: yes.
Comment: PVS1_very strong;PM2_supporting

NM_001353345.2(SETD1B):c.282del (p.Glu94fs)

Gene: SETD1B (SET domain containing 1B, histone lysine methyltransferase; plus strand). Cytogenetic location: 12q24.31.
Variant type: Deletion.
Coding change: c.282del on transcript NM_001353345.2 (MANE Select); coding-DNA position 282, one base deleted (G; older notation c.282delG).
Protein change: p.Glu94fs; shifts the reading frame from glutamic acid 94.
Molecular consequence: frameshift variant.
Genome position (GRCh38, 1-based): chr12:121,805,843, G deleted. VCF-style (leftmost placement, unchanged base first): chr12-121805842-AG-A. GRCh37 (hg19) VCF-style: chr12-122243748-AG-A.
Other names: short protein forms E94fs.
Identifiers: ClinVar variation 3897627 (VCV003897627.1).